The following is an entry in ClinVar:

ClinVar aggregate classification (germline): Benign. Review status: criteria provided, multiple submitters, no conflicts (2 of 4 stars). 3 submissions from 3 submitters: Benign (2). 1 of the submissions does not count toward it. Last evaluated 2026-01-21.

Conditions:
DMXL2-related disorder. Also called: DMXL2-related condition.

Allele frequency attached by ClinVar (database versions not stated): gnomAD 0.00001 and 0.00043; TOPMed 0.00008; gnomAD exomes 0.00063 and 0.00129; ExAC 0.00151; 1000 Genomes Project 0.00280; 1000 Genomes Project 30x 0.00359.
gnomAD v4.1: 982 of 1,614,036 alleles (0.061%); highest among the groups gnomAD compares: South Asian, 1%; 13 homozygotes.

Submissions (3):

Labcorp Genetics (formerly Invitae), Labcorp
Classification: Benign. Last evaluated: 2026-01-21. Review status: criteria provided, single submitter. Criteria: Invitae Variant Classification Sherloc (09022015). Collection method: clinical testing. Allele origin: germline.

CeGaT Center for Human Genetics Tuebingen
Classification: Benign. Last evaluated: 2023-08-01. Review status: criteria provided, single submitter. Criteria: CeGaT Center For Human Genetics Tuebingen Variant Classification Criteria Version 2. Collection method: clinical testing. Allele origin: germline. Affected: yes. Observed: 4 variant alleles.
Comment: DMXL2: BP4, BS1, BS2

PreventionGenetics, part of Exact Sciences
Classification: Benign for DMXL2-related condition. Last evaluated: 2024-01-16. Review status: no assertion criteria provided. Collection method: clinical testing. Allele origin: germline. Not counted in ClinVar's aggregate classification.
Comment: This variant is classified as benign based on ACMG/AMP sequence variant interpretation guidelines (Richards et al. 2015 PMID: 25741868, with internal and published modifications).

NM_001378457.1(DMXL2):c.2041T>G (p.Cys681Gly)

Gene: DMXL2 (Dmx like 2; minus strand). Cytogenetic location: 15q21.2.
Variant type: single nucleotide variant.
Coding change: c.2041T>G on transcript NM_001378457.1 (MANE Select); coding-DNA position 2041, T replaced by G.
Protein change: p.Cys681Gly; replaces cysteine 681 with glycine.
Molecular consequence: missense variant. On other transcripts: non-coding transcript variant (2).
Genome position (GRCh38, 1-based): chr15:51,536,439, A>C on the plus strand (T>G on the coding strand, the complement: DMXL2 is on the minus strand). VCF-style: chr15-51536439-A-C. GRCh37 (hg19) VCF-style: chr15-51828636-A-C.
Other names: c.2041T>G, p.Cys681Gly (NM_001174116.3, NM_001174117.3, NM_001378458.1 and 6 more transcripts); c.1801T>G, p.Cys601Gly (NM_001378464.1); short protein forms C681G, C601G.
Identifiers: ClinVar variation 742008 (VCV000742008.40), dbSNP rs201747716, ClinGen allele CA7562467.